The following is an entry in ClinVar:

ClinVar aggregate classification (germline): Uncertain significance (1 of 4 stars; one submission).

Allele frequency attached by ClinVar (database versions not stated): TOPMed 0.00001; gnomAD exomes 0.00002 and 0.00003; ExAC 0.00005.
gnomAD v4.1: 34 of 1,613,976 alleles (0.0021%); highest among the groups gnomAD compares: South Asian, 0.014%; no homozygotes.

Submission:

Labcorp Genetics (formerly Invitae), Labcorp
Classification: Uncertain significance. Last evaluated: 2024-06-03. Review status: criteria provided, single submitter. Criteria: Invitae Variant Classification Sherloc (09022015). Collection method: clinical testing. Allele origin: germline.
Comment: This sequence change replaces valine, which is neutral and non-polar, with methionine, which is neutral and non-polar, at codon 1399 of the HTT protein (p.Val1399Met). This variant is present in population databases (rs761644475, gnomAD 0.01%). This variant has not been reported in the literature in individuals affected with HTT-related conditions. ClinVar contains an entry for this variant (Variation ID: 1403462). Experimental studies and prediction algorithms are not available or were not evaluated, and the functional significance of this variant is currently unknown. In summary, the available evidence is currently insufficient to determine the role of this variant in disease. Therefore, it has been classified as a Variant of Uncertain Significance.

NM_001388492.1(HTT):c.4189G>A (p.Val1397Met)

Gene: HTT (huntingtin; plus strand). Cytogenetic location: 4p16.3.
Variant type: single nucleotide variant.
Coding change: c.4189G>A on transcript NM_001388492.1 (MANE Select); coding-DNA position 4189, G replaced by A.
Protein change: p.Val1397Met; replaces valine 1397 with methionine.
Molecular consequence: missense variant.
Genome position (GRCh38, 1-based): chr4:3,174,743, G>A. VCF-style: chr4-3174743-G-A. GRCh37 (hg19) VCF-style: chr4-3176470-G-A.
Other names: c.4195G>A, p.Val1399Met (NM_002111.8); short protein forms V1397M, V1399M.
Identifiers: ClinVar variation 1403462 (VCV001403462.6), dbSNP rs761644475, ClinGen allele CA2824350.
Genomic context (GRCh38, chr4:3,174,743, plus strand): 5'-TTCTCATTCTCTGCTTCCCTTTTATTCCCATTTGGCAGATGGTTTGATGTCCTCCAGAAA[G>A]TGTCTACCCAGTTGAAGACAAACCTCACGAGTGTCACAAAGAACCGTGCAGATAAGGTAA-3'
Protein context (NP_001375421.1, residues 1387-1407): TSGWFDVLQK[Val1397Met]STQLKTNLTS